The following is an entry in ClinVar:

NM_206933.4(USH2A):c.9827C>G (p.Ser3276Ter)

Gene: USH2A (usherin; minus strand). Cytogenetic location: 1q41.
Variant type: single nucleotide variant.
Coding change: c.9827C>G on transcript NM_206933.4 (MANE Select); coding-DNA position 9827, C replaced by G.
Protein change: p.Ser3276Ter; replaces serine 3276 with a stop codon.
Molecular consequence: nonsense.
Genome position (GRCh38, 1-based): chr1:215,799,038, G>C on the plus strand (C>G on the coding strand, the complement: USH2A is on the minus strand). VCF-style: chr1-215799038-G-C. GRCh37 (hg19) VCF-style: chr1-215972380-G-C.
Other names: short protein forms S3276*.
Identifiers: ClinVar variation 217027 (VCV000217027.13), dbSNP rs863224941, ClinGen allele CA279037.

ClinVar aggregate classification (germline): Pathogenic/Likely pathogenic. Review status: criteria provided, multiple submitters, no conflicts (2 of 4 stars). 5 submissions from 5 submitters: Pathogenic (1); Likely pathogenic (4). Last evaluated 2023-11-04.

Conditions:
USH2A-related disorder. Also called: USH2A-related condition; USH2A-related disorders. Identifiers: MedGen CN239332.
Retinal dystrophy. Also called: Inherited retinal dystrophy. Identifiers: Orphanet 71862, MedGen C0854723, MeSH D058499, MONDO:0019118, HP:0000556.
Usher syndrome type 2A. Also called: USHER SYNDROME, TYPE IIA; RETINAL DISEASE IN USHER SYNDROME TYPE IIA, MODIFIER OF. Identifiers: Orphanet 231178, Orphanet 886, MedGen C1848634, MONDO:0010169, OMIM 276901.

Submissions (5):

Genome-Nilou Lab
Classification: Likely pathogenic for Usher syndrome type 2A. Last evaluated: 2023-11-04. Review status: criteria provided, single submitter. Criteria: ACMG Guidelines, 2015. Collection method: clinical testing. Allele origin: germline. Affected: no.

Blueprint Genetics
Classification: Likely pathogenic for USH2A-related disorders. Last evaluated: 2021-04-23. Review status: criteria provided, single submitter. Criteria: ACMG Guidelines, 2015. Collection method: clinical testing. Allele origin: germline. Affected: yes. Observed: 1 variant allele.

Labcorp Genetics (formerly Invitae), Labcorp
Classification: Pathogenic. Last evaluated: 2020-03-01. Review status: criteria provided, single submitter. Criteria: Invitae Variant Classification Sherloc (09022015). Collection method: clinical testing. Allele origin: germline.
Comment: This sequence change creates a premature translational stop signal (p.Ser3276*) in the USH2A gene. It is expected to result in an absent or disrupted protein product. This variant is not present in population databases (ExAC no frequency). This variant has been observed in individual(s) with deafness (PMID: 25326637). ClinVar contains an entry for this variant (Variation ID: 217027). Loss-of-function variants in USH2A are known to be pathogenic (PMID: 10729113, 10909849, 20507924, 25649381). For these reasons, this variant has been classified as Pathogenic.

UCLA Clinical Genomics Center, UCLA
Classification: Likely pathogenic for Usher syndrome, type 2A. Last evaluated: 2013-04-23. Review status: criteria provided, single submitter. Criteria: Lee et al. (JAMA. 2014). Collection method: clinical testing. Allele origin: germline. Inheritance: Autosomal recessive inheritance. Affected: yes. Study: CES.

Institute of Human Genetics, Univ. Regensburg, Univ. Regensburg
Classification: Likely pathogenic for Retinal dystrophy. Last evaluated: 2012-01-01. Review status: criteria provided, single submitter. Criteria: ACMG Guidelines, 2015. Collection method: clinical testing. Allele origin: germline. Affected: yes.

Literature cited by the submitters: PubMed 25326637 (cited by Labcorp Genetics (formerly Invitae), Labcorp and Institute of Human Genetics, Univ. Regensburg, Univ. Regensburg); PubMed 10729113 (cited by Labcorp Genetics (formerly Invitae), Labcorp); PubMed 10909849 (cited by Labcorp Genetics (formerly Invitae), Labcorp); PubMed 20507924 (cited by Labcorp Genetics (formerly Invitae), Labcorp); PubMed 25649381 (cited by Labcorp Genetics (formerly Invitae), Labcorp).